The following is an entry in ClinVar:

ClinVar aggregate classification (germline): Uncertain significance (1 of 4 stars; one submission).

Conditions:
Inborn genetic diseases. Identifiers: MedGen C0950123, MeSH D030342.

gnomAD v4.1: 2 of 1,613,652 alleles (0.00012%); highest among the groups gnomAD compares: Non-Finnish European, 0.00017%; no homozygotes.

Submission:

Ambry Genetics
Classification: Uncertain significance for Inborn genetic diseases. Last evaluated: 2025-04-12. Review status: criteria provided, single submitter. Criteria: Ambry Variant Classification Scheme 2023. Collection method: clinical testing. Allele origin: germline.
Comment: The p.D443E variant (also known as c.1329T>G), located in coding exon 8 of the ETV6 gene, results from a T to G substitution at nucleotide position 1329. The aspartic acid at codon 443 is replaced by glutamic acid, an amino acid with highly similar properties. This amino acid position is conserved. In addition, this alteration is predicted to be tolerated by in silico analysis. Based on the available evidence, the clinical significance of this variant remains unclear.

NM_001987.5(ETV6):c.1329T>G (p.Asp443Glu)

Gene: ETV6 (ETS variant transcription factor 6; plus strand). Cytogenetic location: 12p13.2.
Variant type: single nucleotide variant.
Coding change: c.1329T>G on transcript NM_001987.5 (MANE Select); coding-DNA position 1329, T replaced by G.
Protein change: p.Asp443Glu; replaces aspartic acid 443 with glutamic acid.
Molecular consequence: missense variant. On other transcripts: 3 prime UTR variant (1).
Genome position (GRCh38, 1-based): chr12:11,891,016, T>G. VCF-style: chr12-11891016-T-G. GRCh37 (hg19) VCF-style: chr12-12043950-T-G.
Other names: c.1326T>G, p.Asp442Glu (NM_001413913.1); c.1302T>G, p.Asp434Glu (NM_001413914.1); c.1065T>G, p.Asp355Glu (NM_001413915.1); c.*68T>G (NM_001413917.1); short protein forms D434E, D442E, D443E, D355E.
Identifiers: ClinVar variation 4020068 (VCV004020068.1).
Genomic context (GRCh38, chr12:11,891,016, plus strand): 5'-AGATGAAATCATGAGTGGCCGAACAGACCGTCTGGAGCACCTAGAGTCCCAGGAGCTGGA[T>G]GAACAAATATACCAAGAAGATGAATGCTGAAGGAACCAACAGTCCACCTCAGCGGGCCAG-3'
Protein context (NP_001978.1, residues 433-452): RLEHLESQEL[Asp443Glu]EQIYQEDEC